The following is an entry in ClinVar:

NM_001128840.3(CACNA1D):c.6374G>A (p.Arg2125Gln)

Gene: CACNA1D (calcium voltage-gated channel subunit alpha1 D; plus strand). Cytogenetic location: 3p21.1.
Variant type: single nucleotide variant.
Coding change: c.6374G>A on transcript NM_001128840.3 (MANE Select); coding-DNA position 6374, G replaced by A.
Protein change: p.Arg2125Gln; replaces arginine 2125 with glutamine.
Molecular consequence: missense variant.
Genome position (GRCh38, 1-based): chr3:53,811,294, G>A. VCF-style: chr3-53811294-G-A. GRCh37 (hg19) VCF-style: chr3-53845321-G-A.
Other names: c.6434G>A (NM_000720.2); c.6434G>A, p.Arg2145Gln (NM_000720.4); c.6302G>A, p.Arg2101Gln (NM_001128839.3); short protein forms R2101Q, R2125Q, R2145Q.
Identifiers: ClinVar variation 2635650 (VCV002635650.5), dbSNP rs753048719, ClinGen allele CA2455438.

ClinVar aggregate classification (germline): Uncertain significance. Review status: criteria provided, multiple submitters, no conflicts (2 of 4 stars). 4 submissions from 4 submitters: Uncertain significance (4). Last evaluated 2025-07-20.

Conditions:
Inborn genetic diseases. Identifiers: MedGen C0950123, MeSH D030342.
CACNA1D-related disorder.

Allele frequency attached by ClinVar (database versions not stated): gnomAD 0.00001.
gnomAD v4.1: 18 of 1,613,632 alleles (0.0011%); highest among the groups gnomAD compares: Admixed American, 0.005%; no homozygotes.

Submissions (4):

Labcorp Genetics (formerly Invitae), Labcorp
Classification: Uncertain significance. Last evaluated: 2025-07-20. Review status: criteria provided, single submitter. Criteria: Invitae Variant Classification Sherloc (09022015). Collection method: clinical testing. Allele origin: germline.
Comment: This sequence change replaces arginine, which is basic and polar, with glutamine, which is neutral and polar, at codon 2145 of the CACNA1D protein (p.Arg2145Gln). This variant is present in population databases (rs753048719, gnomAD 0.009%). This variant has not been reported in the literature in individuals affected with CACNA1D-related conditions. ClinVar contains an entry for this variant (Variation ID: 2635650). An algorithm developed to predict the effect of missense changes on protein structure and function outputs the following: PolyPhen-2: "Benign". The glutamine amino acid residue is found in multiple mammalian species, which suggests that this missense change does not adversely affect protein function. In summary, the available evidence is currently insufficient to determine the role of this variant in disease. Therefore, it has been classified as a Variant of Uncertain Significance.

Ambry Genetics
Classification: Uncertain significance for Inborn genetic diseases. Last evaluated: 2025-05-18. Review status: criteria provided, single submitter. Criteria: Ambry Variant Classification Scheme 2023. Collection method: clinical testing. Allele origin: germline.

Women's Health and Genetics/Laboratory Corporation of America, LabCorp
Classification: Uncertain significance. Last evaluated: 2024-02-07. Review status: criteria provided, single submitter. Criteria: LabCorp Variant Classification Summary - May 2015. Collection method: clinical testing. Allele origin: germline.
Comment: Variant summary: CACNA1D c.6434G>A (p.Arg2145Gln) results in a conservative amino acid change located in the Voltage-gated calcium channel subunit alpha, C-terminal (IPR031688) of the encoded protein sequence. Five of five in-silico tools predict a benign effect of the variant on protein function. The variant allele was found at a frequency of 1.6e-05 in 251198 control chromosomes. The available data on variant occurrences in the general population are insufficient to allow any conclusion about variant significance. To our knowledge, no occurrence of c.6434G>A in individuals affected with Sinoatrial Node Dysfunction And Deafness and no experimental evidence demonstrating its impact on protein function have been reported. ClinVar contains an entry for this variant (Variation ID: 2635650). Based on the evidence outlined above, the variant was classified as uncertain significance.

PreventionGenetics, part of Exact Sciences
Classification: Uncertain significance for CACNA1D-related condition. Last evaluated: 2023-03-09. Review status: criteria provided, single submitter. Criteria: ACMG Guidelines, 2015. Collection method: clinical testing. Allele origin: germline.
Comment: The CACNA1D c.6434G>A variant is predicted to result in the amino acid substitution p.Arg2145Gln. To our knowledge, this variant has not been reported in the literature. This variant is reported in 0.0085% of alleles in individuals of Latino descent in gnomAD. A different missense variant affecting the same amino acid (p.Arg2145Trp) was reported in an individual with unspecified arrhythmia (Supplementary file 2, van Lint. 2019. PubMed ID: 30847666). At this time, the clinical significance of the c.6434G>A (p.Arg2145Gln) variant is uncertain due to the absence of conclusive functional and genetic evidence.